The following is an entry in ClinVar:

NM_001458.5(FLNC):c.4181A>C (p.Lys1394Thr)

Gene: FLNC (filamin C; plus strand). Cytogenetic location: 7q32.1.
Variant type: single nucleotide variant.
Coding change: c.4181A>C on transcript NM_001458.5 (MANE Select); coding-DNA position 4181, A replaced by C.
Protein change: p.Lys1394Thr; replaces lysine 1394 with threonine.
Molecular consequence: missense variant.
Genome position (GRCh38, 1-based): chr7:128,846,798, A>C. VCF-style: chr7-128846798-A-C. GRCh37 (hg19) VCF-style: chr7-128486852-A-C.
Other names: c.4181A>C, p.Lys1394Thr (NM_001127487.2); short protein forms K1394T.
Identifiers: ClinVar variation 2159284 (VCV002159284.4), dbSNP rs2536643594, ClinGen allele CA369200537.

ClinVar aggregate classification (germline): Uncertain significance (1 of 4 stars; one submission).

Conditions:
Myofibrillar myopathy 5. Also called: Filaminopathy (type); FILAMINOPATHY, AUTOSOMAL DOMINANT. Identifiers: Orphanet 171445, MedGen C1836050, MONDO:0012289, OMIM 609524.
Hypertrophic cardiomyopathy 26. Also called: Cardiomyopathy, familial hypertrophic, 26. Identifiers: Orphanet 75249, MedGen C4310749, MONDO:0014883, OMIM 617047.
Distal myopathy with posterior leg and anterior hand involvement. Also called: WILLIAMS DISTAL MYOPATHY. Identifiers: Orphanet 63273, MedGen C3279722, MONDO:0013550, OMIM 614065.

Allele frequency attached by ClinVar (database versions not stated): gnomAD exomes below 0.00001.
gnomAD v4.1: 1 of 1,614,192 alleles (0.000062%); highest among the groups gnomAD compares: Non-Finnish European, 0.000085%; no homozygotes.

Submission:

Labcorp Genetics (formerly Invitae), Labcorp
Classification: Uncertain significance for Distal myopathy with posterior leg and anterior hand involvement; Myofibrillar myopathy 5; Hypertrophic cardiomyopathy 26. Last evaluated: 2022-09-15. Review status: criteria provided, single submitter. Criteria: Invitae Variant Classification Sherloc (09022015). Collection method: clinical testing. Allele origin: germline.
Comment: This sequence change replaces lysine, which is basic and polar, with threonine, which is neutral and polar, at codon 1394 of the FLNC protein (p.Lys1394Thr). This variant is not present in population databases (gnomAD no frequency). This variant has not been reported in the literature in individuals affected with FLNC-related conditions. Advanced modeling of protein sequence and biophysical properties (such as structural, functional, and spatial information, amino acid conservation, physicochemical variation, residue mobility, and thermodynamic stability) has been performed at Invitae for this missense variant, however the output from this modeling did not meet the statistical confidence thresholds required to predict the impact of this variant on FLNC protein function. In summary, the available evidence is currently insufficient to determine the role of this variant in disease. Therefore, it has been classified as a Variant of Uncertain Significance.